The following is an entry in ClinVar:

ClinVar aggregate classification (germline): Likely pathogenic (1 of 4 stars; one submission).

Conditions:
Deficiency of aromatic-L-amino-acid decarboxylase. Also called: Aromatic amino acid decarboxylase deficiency; AADC DEFICIENCY; DDC DEFICIENCY; DOPA DECARBOXYLASE DEFICIENCY; Aromatic L-Amino Acid Decarboxylase Deficiency. Identifiers: Orphanet 35708, MedGen C1291564, MONDO:0012084, OMIM 608643.

Submission:

Baylor Genetics
Classification: Likely pathogenic for Deficiency of aromatic-L-amino-acid decarboxylase. Last evaluated: 2020-03-12. Review status: criteria provided, single submitter. Criteria: ACMG Guidelines, 2015. Collection method: clinical testing. Allele origin: unknown. Affected: yes.
Comment: This variant was determined to be likely pathogenic according to ACMG Guidelines, 2015 [PMID:25741868].

NM_001082971.2(DDC):c.945-1G>C

Gene: DDC (dopa decarboxylase; minus strand). Cytogenetic location: 7p12.2.
Variant type: single nucleotide variant.
Coding change: c.945-1G>C on transcript NM_001082971.2 (MANE Select); the canonical splice acceptor site of the intron before coding-DNA position 945, G replaced by C.
Molecular consequence: splice acceptor variant.
Genome position (GRCh38, 1-based): chr7:50,479,864, C>G on the plus strand (G>C on the coding strand, the complement: DDC is on the minus strand). VCF-style: chr7-50479864-C-G. GRCh37 (hg19) VCF-style: chr7-50547562-C-G.
Other names: c.711-1G>C (NM_001242888.2); c.831-1G>C (NM_001242886.2); c.666-1G>C (NM_001242889.2); c.801-1G>C (NM_001242887.2); c.945-1G>C (NM_000790.4).
Identifiers: ClinVar variation 1028378 (VCV001028378.1), dbSNP rs2042728719, ClinGen allele CA367535874.